The following is an entry in ClinVar:

NM_020529.3(NFKBIA):c.874G>C (p.Glu292Gln)

Gene: NFKBIA (NFKB inhibitor alpha; minus strand). Cytogenetic location: 14q13.2.
Variant type: single nucleotide variant.
Coding change: c.874G>C on transcript NM_020529.3 (MANE Select); coding-DNA position 874, G replaced by C.
Protein change: p.Glu292Gln; replaces glutamic acid 292 with glutamine.
Molecular consequence: missense variant.
Genome position (GRCh38, 1-based): chr14:35,402,426, C>G on the plus strand (G>C on the coding strand, the complement: NFKBIA is on the minus strand). VCF-style: chr14-35402426-C-G. GRCh37 (hg19) VCF-style: chr14-35871632-C-G.
Other names: short protein forms E292Q.
Identifiers: ClinVar variation 3375259 (VCV003375259.1).

ClinVar aggregate classification (germline): Uncertain significance (1 of 4 stars; one submission).

Submission:

Women's Health and Genetics/Laboratory Corporation of America, LabCorp
Classification: Uncertain significance. Last evaluated: 2024-09-24. Review status: criteria provided, single submitter. Criteria: LabCorp Variant Classification Summary - May 2015. Collection method: clinical testing. Allele origin: germline.
Comment: Variant summary: NFKBIA c.874G>C (p.Glu292Gln) results in a conservative amino acid change in the encoded protein sequence. Three of five in-silico tools predict a benign effect of the variant on protein function. The variant allele was found at a frequency of 1.2e-05 in 251398 control chromosomes. The available data on variant occurrences in the general population are insufficient to allow any conclusion about variant significance. To our knowledge, no occurrence of c.874G>C in individuals affected with Ectodermal Dysplasia And Immunodeficiency 2 and no experimental evidence demonstrating its impact on protein function have been reported. No submitters have cited clinical-significance assessments for this variant to ClinVar. Based on the evidence outlined above, the variant was classified as uncertain significance.